The following is an entry in ClinVar:

NM_001199397.3(NEK1):c.226C>G (p.Leu76Val)

Gene: NEK1 (NIMA related kinase 1; minus strand). Cytogenetic location: 4q33.
Variant type: single nucleotide variant.
Coding change: c.226C>G on transcript NM_001199397.3 (MANE Select); coding-DNA position 226, C replaced by G.
Protein change: p.Leu76Val; replaces leucine 76 with valine.
Molecular consequence: missense variant.
Genome position (GRCh38, 1-based): chr4:169,599,186, G>C on the plus strand (C>G on the coding strand, the complement: NEK1 is on the minus strand). VCF-style: chr4-169599186-G-C. GRCh37 (hg19) VCF-style: chr4-170520337-G-C.
Other names: c.226C>G, p.Leu76Val (NM_001199398.3, NM_001199399.3, NM_001199400.3 and 7 more transcripts); short protein forms L76V.
Identifiers: ClinVar variation 3718666 (VCV003718666.2).
Genomic context (GRCh38, chr4:169,599,186, plus strand): 5'-TCTGAGCATTTATTCGCTTAAACAGATCCCCTCCCTCACAGTAATCCATTACTATGTAGA[G>C]AGAGCCATTTTCTACAAAATATAAACATTACAGTCCACTTTTAAAAACGTACATCAAAAG-3'
Protein context (NP_001186326.1, residues 66-86): YRESFEENGS[Leu76Val]YIVMDYCEGG

ClinVar aggregate classification (germline): Uncertain significance (1 of 4 stars; one submission).

Conditions:
Short-rib thoracic dysplasia 6 with or without polydactyly (SRTD6). Also called: POLYDACTYLY WITH NEONATAL CHONDRODYSTROPHY, TYPE II; SHORT RIB-POLYDACTYLY SYNDROME, TYPE IIA; Majewski Syndrome; SHORT-RIB THORACIC DYSPLASIA 6 WITH POLYDACTYLY; SHORT-RIB THORACIC DYSPLASIA 6 WITHOUT POLYDACTYLY. Identifiers: MedGen C0024507, MONDO:0009894, OMIM 263520.

gnomAD v4.1: 6 of 1,608,202 alleles (0.00037%); highest among the groups gnomAD compares: Non-Finnish European, 0.00043%; no homozygotes.

Submission:

Labcorp Genetics (formerly Invitae), Labcorp
Classification: Uncertain significance for Short-rib thoracic dysplasia 6 with or without polydactyly. Last evaluated: 2024-03-02. Review status: criteria provided, single submitter. Criteria: Invitae Variant Classification Sherloc (09022015). Collection method: clinical testing. Allele origin: germline.
Comment: This sequence change replaces leucine, which is neutral and non-polar, with valine, which is neutral and non-polar, at codon 76 of the NEK1 protein (p.Leu76Val). This variant is present in population databases (rs35093214, gnomAD 0.01%). This variant has not been reported in the literature in individuals affected with NEK1-related conditions. Advanced modeling of protein sequence and biophysical properties (such as structural, functional, and spatial information, amino acid conservation, physicochemical variation, residue mobility, and thermodynamic stability) performed at Invitae indicates that this missense variant is not expected to disrupt NEK1 protein function with a negative predictive value of 95%. In summary, the available evidence is currently insufficient to determine the role of this variant in disease. Therefore, it has been classified as a Variant of Uncertain Significance.